The following is an entry in ClinVar:

ClinVar aggregate classification (germline): Uncertain significance (1 of 4 stars; one submission).

Submission:

GeneDx
Classification: Uncertain significance. Last evaluated: 2022-01-07. Review status: criteria provided, single submitter. Criteria: GeneDx Variant Classification Process June 2021. Collection method: clinical testing. Allele origin: germline. Affected: yes.
Comment: Not observed at significant frequency in large population cohorts (gnomAD); Missense variants in this gene are often considered pathogenic (HGMD); In silico analysis supports that this missense variant has a deleterious effect on protein structure/function; Has not been previously published as pathogenic or benign to our knowledge; This substitution is predicted to be in the cytoplasmic loop between the second and third homologous domains

NM_001040142.2(SCN2A):c.3344A>C (p.Glu1115Ala)

Gene: SCN2A (sodium voltage-gated channel alpha subunit 2; plus strand). Cytogenetic location: 2q24.3.
Variant type: single nucleotide variant.
Coding change: c.3344A>C on transcript NM_001040142.2 (MANE Select); coding-DNA position 3344, A replaced by C.
Protein change: p.Glu1115Ala; replaces glutamic acid 1115 with alanine.
Molecular consequence: missense variant.
Genome position (GRCh38, 1-based): chr2:165,354,616, A>C. VCF-style: chr2-165354616-A-C. GRCh37 (hg19) VCF-style: chr2-166211126-A-C.
Other names: c.3344A>C, p.Glu1115Ala (NM_001040143.2, NM_001371246.1, NM_001371247.1 and 1 more transcripts); short protein forms E1115A.
Identifiers: ClinVar variation 1695810 (VCV001695810.2), dbSNP rs2105337543, ClinGen allele CA349021943.
Genomic context (GRCh38, chr2:165,354,616, plus strand): 5'-TTATAAACAACCCTAGCCTCACTGTGACAGTACCAATTGCTGTTGGAGAATCTGACTTTG[A>C]AAATTTAAATACTGAAGAATTCAGCAGCGAGTCAGATATGGAGGAAAGCAAAGAGGTAAA-3'
Protein context (NP_001035232.1, residues 1105-1125): VPIAVGESDF[Glu1115Ala]NLNTEEFSSE